The following is an entry in ClinVar:

NM_005609.4(PYGM):c.485_486del (p.Arg161_Tyr162insTer)

Gene: PYGM (glycogen phosphorylase, muscle associated; minus strand). Cytogenetic location: 11q13.1.
Variant type: Deletion.
Coding change: c.485_486del on transcript NM_005609.4 (MANE Select); coding-DNA positions 485 to 486, 2 bases deleted (AT; older notation c.485_486delAT).
Protein change: p.Arg161_Tyr162insTer.
Molecular consequence: nonsense. On other transcripts: intron variant (1).
Genome position (GRCh38, 1-based): chr11:64,758,288-64,758,289, AT deleted on the plus strand (AT on the coding strand, the reverse complement: PYGM is on the minus strand); deleting any 2 consecutive bases within chr11:64,758,288-64,758,290 gives the same sequence; the c. name uses the placement nearest the transcript's 3' end. VCF-style (leftmost placement, unchanged base first): chr11-64758287-CAT-C. GRCh37 (hg19) VCF-style: chr11-64525759-CAT-C.
Other names: c.244-23_244-22del (NM_001164716.1).
Identifiers: ClinVar variation 2741853 (VCV002741853.4), dbSNP rs2496670154, ClinGen allele CA2574865625.

ClinVar aggregate classification (germline): Pathogenic/Likely pathogenic. Review status: criteria provided, multiple submitters, no conflicts (2 of 4 stars). 2 submissions from 2 submitters: Pathogenic (1); Likely pathogenic (1). Last evaluated 2024-01-02.

Conditions:
Glycogen storage disease, type V (GSD5). Also called: McArdle type glycogen storage disease; MCARDLE DISEASE; MUSCLE GLYCOGEN PHOSPHORYLASE DEFICIENCY; MYOPHOSPHORYLASE DEFICIENCY; PYGM DEFICIENCY. Identifiers: Orphanet 368, MedGen C0017924, MONDO:0009293, OMIM 232600.

Submissions (2):

Labcorp Genetics (formerly Invitae), Labcorp
Classification: Pathogenic for Glycogen storage disease, type V. Last evaluated: 2024-01-02. Review status: criteria provided, single submitter. Criteria: Invitae Variant Classification Sherloc (09022015). Collection method: clinical testing. Allele origin: germline.
Comment: This sequence change creates a premature translational stop signal (p.Tyr162*) in the PYGM gene. It is expected to result in an absent or disrupted protein product. Loss-of-function variants in PYGM are known to be pathogenic (PMID: 8316268, 16786513). This variant is not present in population databases (gnomAD no frequency). This variant has not been reported in the literature in individuals affected with PYGM-related conditions. For these reasons, this variant has been classified as Pathogenic.

Department of Pathology and Laboratory Medicine, Sinai Health System
Classification: Likely pathogenic for Glycogen storage disease, type V. Last evaluated: 2023-05-31. Review status: criteria provided, single submitter. Criteria: ACMG Guidelines, 2015. Collection method: research. Allele origin: germline.

Literature cited by the submitters: PubMed 8316268 (cited by Labcorp Genetics (formerly Invitae), Labcorp); PubMed 16786513 (cited by Labcorp Genetics (formerly Invitae), Labcorp).